The following is an entry in ClinVar:

NM_002485.5(NBN):c.1152C>G (p.Ile384Met)

Gene: NBN (nibrin; minus strand). Cytogenetic location: 8q21.3.
Variant type: single nucleotide variant.
Coding change: c.1152C>G on transcript NM_002485.5 (MANE Select); coding-DNA position 1152, C replaced by G.
Protein change: p.Ile384Met; replaces isoleucine 384 with methionine.
Molecular consequence: missense variant.
Genome position (GRCh38, 1-based): chr8:89,955,528, G>C on the plus strand (C>G on the coding strand, the complement: NBN is on the minus strand). VCF-style: chr8-89955528-G-C. GRCh37 (hg19) VCF-style: chr8-90967756-G-C.
Other names: c.906C>G, p.Ile302Met (NM_001024688.3); short protein forms I384M, I302M.
Identifiers: ClinVar variation 229678 (VCV000229678.25), dbSNP rs551802153, ClinGen allele CA10578769.

ClinVar aggregate classification (germline): Conflicting classifications of pathogenicity. Review status: criteria provided, conflicting classifications (1 of 4 stars). 4 submissions from 4 submitters: Uncertain significance (2); Likely benign (1). 1 of the submissions does not count toward it. Last evaluated 2024-11-14.

Conditions:
Hereditary cancer-predisposing syndrome. Also called: Hereditary Cancer Syndrome; Neoplastic Syndromes, Hereditary; Tumor predisposition; Hereditary neoplastic syndrome. Identifiers: Orphanet 140162, MedGen C0027672, MeSH D009386, MONDO:0015356.
Microcephaly, normal intelligence and immunodeficiency (NBS). Also called: BERLIN BREAKAGE SYNDROME; Ataxia telangiectasia variant V1; IMMUNODEFICIENCY, MICROCEPHALY, AND CHROMOSOMAL INSTABILITY; SEEMANOVA SYNDROME II; Nijmegen breakage syndrome; Microcephaly with normal intelligence immunodeficiency and lymphoreticular malignancies. Identifiers: Orphanet 647, MedGen C0398791, MONDO:0009623, OMIM 251260.

Allele frequency attached by ClinVar (database versions not stated): gnomAD exomes 0.00001 and below 0.00001; gnomAD 0.00001.
gnomAD v4.1: 10 of 1,613,164 alleles (0.00062%); highest among the groups gnomAD compares: Non-Finnish European, 0.00085%; no homozygotes.

Submissions (4):

Labcorp Genetics (formerly Invitae), Labcorp
Classification: Uncertain significance for Microcephaly, normal intelligence and immunodeficiency. Last evaluated: 2024-11-14. Review status: criteria provided, single submitter. Criteria: Invitae Variant Classification Sherloc (09022015). Collection method: clinical testing. Allele origin: germline.
Comment: This sequence change replaces isoleucine, which is neutral and non-polar, with methionine, which is neutral and non-polar, at codon 384 of the NBN protein (p.Ile384Met). This variant is present in population databases (rs551802153, gnomAD 0.0009%). This variant has not been reported in the literature in individuals affected with NBN-related conditions. ClinVar contains an entry for this variant (Variation ID: 229678). An algorithm developed to predict the effect of missense changes on protein structure and function outputs the following: PolyPhen-2: "Benign". The methionine amino acid residue is found in multiple mammalian species, which suggests that this missense change does not adversely affect protein function. In summary, the available evidence is currently insufficient to determine the role of this variant in disease. Therefore, it has been classified as a Variant of Uncertain Significance.

Ambry Genetics
Classification: Likely benign for Hereditary cancer-predisposing syndrome. Last evaluated: 2024-03-27. Review status: criteria provided, single submitter. Criteria: Ambry Variant Classification Scheme 2023. Collection method: clinical testing. Allele origin: germline.

Genome-Nilou Lab
Classification: Uncertain significance for Microcephaly, normal intelligence and immunodeficiency. Last evaluated: 2021-11-07. Review status: criteria provided, single submitter. Criteria: ACMG Guidelines, 2015. Collection method: clinical testing. Allele origin: germline. Affected: no.

Natera, Inc.
Classification: Uncertain significance for Nijmegen breakage syndrome. Last evaluated: 2021-02-19. Review status: no assertion criteria provided. Collection method: clinical testing. Allele origin: germline. Not counted in ClinVar's aggregate classification.